The following is an entry in ClinVar:

ClinVar aggregate classification (germline): Benign. Review status: reviewed by expert panel (3 of 4 stars). 2 submissions from 2 submitters: Benign (1). 1 of the submissions does not count toward it. Last evaluated 2015-01-12.

Conditions:
Breast-ovarian cancer, familial, susceptibility to, 2 (BROVCA2). Also called: BRCA2 Hereditary Breast and Ovarian Cancer. Identifiers: Orphanet 145, MedGen C2675520, MONDO:0012933, OMIM 612555. Disease mechanism: loss of function.

Allele frequency attached by ClinVar (database versions not stated): gnomAD exomes 0.51459; 1000 Genomes Project 30x 0.52498; 1000 Genomes Project 0.52756; TOPMed 0.52878; gnomAD 0.53423 and 0.53556.
gnomAD v4.1: 174,184 of 332,880 alleles (52%); highest among the groups gnomAD compares: East Asian, 57%; 46,249 homozygotes.

Submissions (2):

Evidence-based Network for the Interpretation of Germline Mutant Alleles (ENIGMA)
Classification: Benign for Breast-ovarian cancer, familial 2. Last evaluated: 2015-01-12. Review status: reviewed by expert panel. Criteria: ENIGMA BRCA1/2 Classification Criteria (2015). Collection method: curation. Allele origin: germline.
Comment: Class 1 not pathogenic based on frequency >1% in an outbred sampleset. Frequency 0.549 (Asian), 0.5407 (African), 0.5383 (European), derived from 1000 genomes (2012-04-30).

Breakthrough Genomics
Classification: Benign. Review status: criteria provided, single submitter. Criteria: ACMG Guidelines, 2015. Collection method: not provided. Allele origin: germline. Inheritance: Autosomal recessive inheritance. Affected: yes. Not counted in ClinVar's aggregate classification.

NM_000059.4(BRCA2):c.8633-1425T>C

Gene: BRCA2 (BRCA2 DNA repair associated; plus strand). Cytogenetic location: 13q13.1.
Variant type: single nucleotide variant.
Coding change: c.8633-1425T>C on transcript NM_000059.4 (MANE Select); 1425 bases into the intron before coding-DNA position 8633, T replaced by C.
Molecular consequence: intron variant.
Genome position (GRCh38, 1-based): chr13:32,375,245, T>C. VCF-style: chr13-32375245-T-C. GRCh37 (hg19) VCF-style: chr13-32949382-T-C.
Other names: IVS 20-1425T>C.
Identifiers: ClinVar variation 209947 (VCV000209947.2), dbSNP rs9534318, ClinGen allele CA276914.